The following is an entry in ClinVar:

NM_002693.3(POLG):c.2427-7C>G

Gene: POLG (DNA polymerase gamma, catalytic subunit; minus strand). Cytogenetic location: 15q26.1.
Variant type: single nucleotide variant.
Coding change: c.2427-7C>G on transcript NM_002693.3 (MANE Select); 7 bases into the intron before coding-DNA position 2427, C replaced by G.
Molecular consequence: intron variant.
Genome position (GRCh38, 1-based): chr15:89,322,022, G>C on the plus strand (C>G on the coding strand, the complement: POLG is on the minus strand). VCF-style: chr15-89322022-G-C. GRCh37 (hg19) VCF-style: chr15-89865253-G-C.
Other names: c.2427-7C>G (NM_001126131.2).
Identifiers: ClinVar variation 3771569 (VCV003771569.13).
Genomic context (GRCh38, chr15:89,322,022, plus strand): 5'-CTGATCACAGCACGGGGCAGAGCTGACCTGGGCAGCCACACCACCATCTGGGAGCTGTGG[G>C]GACAGACAACGTGAGGCTCAGCACAGCCATGGGAAGCAGAATCTATCCCACATCCCACCA-3'

ClinVar aggregate classification (germline): Uncertain significance (1 of 4 stars; one submission).

Submission:

CeGaT Center for Human Genetics Tuebingen
Classification: Uncertain significance. Last evaluated: 2025-01-01. Review status: criteria provided, single submitter. Criteria: CeGaT Center For Human Genetics Tuebingen Variant Classification Criteria Version 2. Collection method: clinical testing. Allele origin: germline. Affected: yes. Observed: 1 variant allele.
Comment: POLG: PM2, BP4